The following is an entry in ClinVar:

ClinVar aggregate classification (germline): Benign/Likely benign. Review status: criteria provided, multiple submitters, no conflicts (2 of 4 stars). 2 submissions from 2 submitters: Benign (1); Likely benign (1). Last evaluated 2026-02-19.

Conditions:
MYSM1-related disorder. Also called: MYSM1-related condition.

Submissions (2):

PreventionGenetics, part of Exact Sciences
Classification: Likely benign for MYSM1-related condition. Last evaluated: 2026-02-19. Review status: criteria provided, single submitter. Criteria: ACMG Guidelines, 2015. Collection method: clinical testing. Allele origin: germline.
Comment: This variant is classified as likely benign based on ACMG/AMP sequence variant interpretation guidelines (Richards et al. 2015 PMID: 25741868, with internal and published modifications).

Labcorp Genetics (formerly Invitae), Labcorp
Classification: Benign. Last evaluated: 2025-09-29. Review status: criteria provided, single submitter. Criteria: Invitae Variant Classification Sherloc (09022015). Collection method: clinical testing. Allele origin: germline.

NM_001085487.3(MYSM1):c.148-6dup

Gene: MYSM1 (Myb like, SWIRM and MPN domains 1; minus strand). Cytogenetic location: 1p32.1.
Variant type: Duplication.
Coding change: c.148-6dup on transcript NM_001085487.3 (MANE Select); 6 bases into the intron before coding-DNA position 148, one base duplicated (T; older notation c.148-6dupT).
Molecular consequence: intron variant.
Genome position (GRCh38, 1-based): chr1:58,692,937, A duplicated on the plus strand (T on the coding strand, the reverse complement: MYSM1 is on the minus strand); the first of 6 consecutive A bases (chr1:58,692,937-58,692,942); duplicating any one gives the same sequence. VCF-style (leftmost placement, unchanged base first): chr1-58692936-T-TA. GRCh37 (hg19) VCF-style: chr1-59158608-T-TA.
Other names: c.148-6dupT (NM_001085487.2).
Identifiers: ClinVar variation 4754443 (VCV004754443.2).